The following is an entry in ClinVar:

NM_000256.3(MYBPC3):c.927-20G>A

Gene: MYBPC3 (myosin binding protein C3; minus strand). Cytogenetic location: 11p11.2.
Variant type: single nucleotide variant.
Coding change: c.927-20G>A on transcript NM_000256.3 (MANE Select); 20 bases into the intron before coding-DNA position 927, G replaced by A.
Molecular consequence: intron variant.
Genome position (GRCh38, 1-based): chr11:47,346,390, C>T on the plus strand (G>A on the coding strand, the complement: MYBPC3 is on the minus strand). VCF-style: chr11-47346390-C-T. GRCh37 (hg19) VCF-style: chr11-47367941-C-T.
Identifiers: ClinVar variation 668197 (VCV000668197.7), dbSNP rs1417608603, ClinGen allele CA599374481.
Genomic context (GRCh38, chr11:47,346,390, plus strand): 5'-CCCACACGTCCTCCTCTGCTGGTGCCTCCAGCTTCGAGTCCCTGTGTCCCGCAGTCTAGG[C>T]TGTGGCCGGGGGCAAGACTGCAGCCCCCTGGGCGGGGCTTCCTGGGCCCAGGACCAAGGA-3'

ClinVar aggregate classification (germline): Conflicting classifications of pathogenicity. Review status: criteria provided, conflicting classifications (1 of 4 stars). 3 submissions from 3 submitters: Uncertain significance (1); Likely benign (2). Last evaluated 2024-11-11.

Conditions:
Hypertrophic cardiomyopathy. Also called: HYPERTROPHIC MYOCARDIOPATHY. Identifiers: Orphanet 217569, MedGen C0007194, MeSH D002312, MONDO:0005045, HP:0001639.

Allele frequency attached by ClinVar (database versions not stated): gnomAD exomes 0.00001; gnomAD 0.00003; 1000 Genomes Project 30x 0.00016.
gnomAD v4.1: 17 of 1,546,336 alleles (0.0011%); highest among the groups gnomAD compares: East Asian, 0.0047%; no homozygotes.

Submissions (3):

Labcorp Genetics (formerly Invitae), Labcorp
Classification: Uncertain significance for Hypertrophic cardiomyopathy. Last evaluated: 2024-11-11. Review status: criteria provided, single submitter. Criteria: Invitae Variant Classification Sherloc (09022015). Collection method: clinical testing. Allele origin: germline.
Comment: This sequence change falls in intron 11 of the MYBPC3 gene. It does not directly change the encoded amino acid sequence of the MYBPC3 protein. The frequency data for this variant in the population databases is considered unreliable, as metrics indicate poor data quality at this position in the gnomAD database. This variant has not been reported in the literature in individuals affected with MYBPC3-related conditions. ClinVar contains an entry for this variant (Variation ID: 668197). Algorithms developed to predict the effect of sequence changes on RNA splicing suggest that this variant may create or strengthen a splice site. In summary, the available evidence is currently insufficient to determine the role of this variant in disease. Therefore, it has been classified as a Variant of Uncertain Significance.

Blueprint Genetics
Classification: Likely benign. Last evaluated: 2024-10-10. Review status: criteria provided, single submitter. Criteria: ACMG Guidelines, 2015. Collection method: clinical testing. Allele origin: germline.

GeneDx
Classification: Likely benign. Last evaluated: 2018-05-02. Review status: criteria provided, single submitter. Criteria: GeneDx Variant Classification (06012015). Collection method: clinical testing. Allele origin: germline. Affected: yes.
Comment: This variant is considered likely benign or benign based on one or more of the following criteria: it is a conservative change, it occurs at a poorly conserved position in the protein, it is predicted to be benign by multiple in silico algorithms, and/or has population frequency not consistent with disease.